The following is an entry in ClinVar:

NM_000258.3(MYL3):c.302A>G (p.Gln101Arg)

Gene: MYL3 (myosin light chain 3; minus strand). Cytogenetic location: 3p21.31.
Variant type: single nucleotide variant.
Coding change: c.302A>G on transcript NM_000258.3 (MANE Select); coding-DNA position 302, A replaced by G.
Protein change: p.Gln101Arg; replaces glutamine 101 with arginine.
Molecular consequence: missense variant.
Genome position (GRCh38, 1-based): chr3:46,860,681, T>C on the plus strand (A>G on the coding strand, the complement: MYL3 is on the minus strand). VCF-style: chr3-46860681-T-C. GRCh37 (hg19) VCF-style: chr3-46902171-T-C.
Other names: c.302A>G, p.Gln101Arg (NM_001406937.1, NM_001406938.1, NM_001406939.1); c.128A>G, p.Gln43Arg (NM_001406940.1, NM_001406941.1); short protein forms Q43R, Q101R.
Identifiers: ClinVar variation 3662367 (VCV003662367.2).

ClinVar aggregate classification (germline): Uncertain significance (1 of 4 stars; one submission).

Conditions:
Hypertrophic cardiomyopathy. Also called: HYPERTROPHIC MYOCARDIOPATHY. Identifiers: Orphanet 217569, MedGen C0007194, MeSH D002312, MONDO:0005045, HP:0001639.

Submission:

Labcorp Genetics (formerly Invitae), Labcorp
Classification: Uncertain significance for Hypertrophic cardiomyopathy. Last evaluated: 2024-08-14. Review status: criteria provided, single submitter. Criteria: Invitae Variant Classification Sherloc (09022015). Collection method: clinical testing. Allele origin: germline.
Comment: This sequence change replaces glutamine, which is neutral and polar, with arginine, which is basic and polar, at codon 101 of the MYL3 protein (p.Gln101Arg). This variant is not present in population databases (gnomAD no frequency). This variant has not been reported in the literature in individuals affected with MYL3-related conditions. An algorithm developed to predict the effect of missense changes on protein structure and function (PolyPhen-2) suggests that this variant is likely to be tolerated. In summary, the available evidence is currently insufficient to determine the role of this variant in disease. Therefore, it has been classified as a Variant of Uncertain Significance.